The following is an entry in ClinVar:

ClinVar aggregate classification (germline): Likely pathogenic (1 of 4 stars; one submission).

Conditions:
Congenital myasthenic syndrome (CMS). Also called: Congenital Myasthenic Syndromes. Identifiers: Orphanet 590, MedGen C0751882, MeSH D020294, MONDO:0018940.

Submission:

Natera, Inc.
Classification: Likely pathogenic for Congenital myasthenic syndrome. Last evaluated: 2024-07-05. Review status: criteria provided, single submitter. Criteria: Natera Variant Classification Schema (03/2026). Collection method: clinical testing. Allele origin: germline.
Comment: The c.975del variant in RAPSN is a frameshift variant predicted to shift the reading frame beginning at codon 325 and leads to a stop codon 7 codons downstream. This variant is expected to result in nonsense mediated decay, truncation, or a dysfunctional protein product. This variant is rare in the general population with a frequency below the threshold expected for the associated phenotype(s). Given the available evidence, this variant is classified as Likely Pathogenic.

NM_005055.5(RAPSN):c.975del (p.Gln325fs)

Gene: RAPSN (receptor associated protein of the synapse; minus strand). Cytogenetic location: 11p11.2.
Variant type: Deletion.
Coding change: c.975del on transcript NM_005055.5 (MANE Select); coding-DNA position 975, one base deleted (G; older notation c.975delG).
Protein change: p.Gln325fs; shifts the reading frame from glutamine 325.
Molecular consequence: frameshift variant. On other transcripts: intron variant (3).
Genome position (GRCh38, 1-based): chr11:47,438,923, C deleted on the plus strand (G on the coding strand, the reverse complement: RAPSN is on the minus strand). VCF-style (leftmost placement, unchanged base first): chr11-47438922-GC-G. GRCh37 (hg19) VCF-style: chr11-47460473-GC-G.
Other names: c.1111del, p.Ala371fs (NM_001440490.1); c.1060del, p.Ala354fs (NM_001440491.1); c.975del, p.Gln325fs (NM_001440492.1); c.778del, p.Ala260fs (NM_001440493.1); c.921del, p.Gln307fs (NM_001440495.1); c.852del, p.Gln284fs (NM_001440497.1, NM_001440498.1); c.816del, p.Gln272fs (NM_001440499.1); c.798del, p.Gln266fs (NM_001440500.1, NM_032645.5); and 6 more; short protein forms A260fs, A354fs, A371fs, Q212fs, Q231fs, Q254fs, Q266fs, Q272fs.
Identifiers: ClinVar variation 4815412 (VCV004815412.1).